The following is an entry in ClinVar:

ClinVar aggregate classification (germline): Pathogenic (1 of 4 stars; one submission).

Submission:

Labcorp Genetics (formerly Invitae), Labcorp
Classification: Pathogenic. Last evaluated: 2024-12-09. Review status: criteria provided, single submitter. Criteria: Invitae Variant Classification Sherloc (09022015). Collection method: clinical testing. Allele origin: germline.
Comment: This sequence change creates a premature translational stop signal (p.Glu72Argfs*18) in the LAMB1 gene. It is expected to result in an absent or disrupted protein product. Loss-of-function variants in LAMB1 are known to be pathogenic (PMID: 23472759, 25925986). This variant is not present in population databases (gnomAD no frequency). This variant has not been reported in the literature in individuals affected with LAMB1-related conditions. This variant is also known as c.213+1del. ClinVar contains an entry for this variant (Variation ID: 2035710). Algorithms developed to predict the effect of sequence changes on RNA splicing suggest that this variant may disrupt the consensus splice site. For these reasons, this variant has been classified as Pathogenic.

Literature cited by the submitters: PubMed 23472759; PubMed 25925986.

NM_002291.3(LAMB1):c.213+1del

Gene: LAMB1 (laminin subunit beta 1; minus strand). Cytogenetic location: 7q31.1.
Variant type: Deletion.
Coding change: c.213+1del on transcript NM_002291.3 (MANE Select); the canonical splice donor site of the intron after coding-DNA position 213, one base deleted (G; older notation c.213+1delG).
Molecular consequence: splice donor variant.
Genome position (GRCh38, 1-based): chr7:108,001,557, C deleted on the plus strand (G on the coding strand, the reverse complement: LAMB1 is on the minus strand); the first of 2 consecutive C bases (chr7:108,001,557-108,001,558); deleting either gives the same sequence. VCF-style (leftmost placement, unchanged base first): chr7-108001556-AC-A. GRCh37 (hg19) VCF-style: chr7-107642001-AC-A.
Identifiers: ClinVar variation 2035710 (VCV002035710.4), dbSNP rs1277262601, ClinGen allele CA831215129.
Genomic context (GRCh38, chr7:108,001,556, plus strand): 5'-CCCCTTAGGTCTGGACGGGAGGAGGCGCTAGCAGAGCCTCGAACCCCGCTCTCAGCCCTC[AC>A]CTGCAAGTGGCTGACGATACAGTAGGGTTCGGGCTTGTGCAGCCCGCACGTCGAGGTCAC-3'